The following is an entry in ClinVar:

NM_001165963.4(SCN1A):c.1175T>C (p.Leu392Ser)

Gene: SCN1A (sodium voltage-gated channel alpha subunit 1; minus strand). Cytogenetic location: 2q24.3.
Variant type: single nucleotide variant.
Coding change: c.1175T>C on transcript NM_001165963.4 (MANE Select); coding-DNA position 1175, T replaced by C.
Protein change: p.Leu392Ser; replaces leucine 392 with serine.
Molecular consequence: missense variant. On other transcripts: 5 prime UTR variant (1), non-coding transcript variant (1).
Genome position (GRCh38, 1-based): chr2:166,046,972, A>G on the plus strand (T>C on the coding strand, the complement: SCN1A is on the minus strand). VCF-style: chr2-166046972-A-G. GRCh37 (hg19) VCF-style: chr2-166903482-A-G.
Other names: c.1175T>C, p.Leu392Ser (NM_001165964.3, NM_001202435.3, NM_001353948.2 and 10 more transcripts); c.-1251T>C (NM_001353961.2); short protein forms L392S.
Identifiers: ClinVar variation 1479214 (VCV001479214.11), dbSNP rs2105862926, ClinGen allele CA349071043.
Genomic context (GRCh38, chr2:166,046,972, plus strand): 5'-AATGAGCCCAAGAAAATGACCAATACAAAAAATATCATGTACGTTTTCCCAGCAGCACGT[A>G]ATGTCTGCAAACAAAAATATCAGAATTATTTCTCAATATTATTTCACTAAGTGGTGGCTT-3'
Protein context (NP_001159435.1, residues 382-402): DFWENLYQLT[Leu392Ser]RAAGKTYMIF

ClinVar aggregate classification (germline): Conflicting classifications of pathogenicity. Review status: criteria provided, conflicting classifications (1 of 4 stars). 2 submissions from 2 submitters: Likely pathogenic (1); Uncertain significance (1). Last evaluated 2022-03-19.

Conditions:
Developmental and epileptic encephalopathy 6B. Also called: Developmental and epileptic encephalopathy 6B, non-Dravet. Identifiers: MedGen C5543353, MONDO:0030268, OMIM 619317.
Migraine, familial hemiplegic, 3. Identifiers: Orphanet 569, MedGen C1864987, MONDO:0012320, OMIM 609634.
Generalized epilepsy with febrile seizures plus, type 2 (GEFSP2). Also called: GEFS+, TYPE 2. Identifiers: Orphanet 36387, MedGen C1858673, MONDO:0011461, OMIM 604403.
Severe myoclonic epilepsy in infancy (DRVT). Also called: Severe Myoclonic Epilepsy in Infancy (SMEI); Dravet syndrome; Epileptic encephalopathy, early infantile, 6 (Dravet syndrome); SEVERE MYOCLONIC EPILEPSY OF INFANCY; DEVELOPMENTAL AND EPILEPTIC ENCEPHALOPATHY 6A. Identifiers: Orphanet 33069, MedGen C0751122, MONDO:0100135, OMIM 607208.
Early-infantile DEE. Also called: Ohtahara syndrome; Early infantile epileptic encephalopathy with suppression bursts; Early infantile epileptic encephalopathy. Identifiers: Orphanet 1934, MedGen C0393706, MONDO:0800491.

Submissions (2):

Labcorp Genetics (formerly Invitae), Labcorp
Classification: Uncertain significance for Early-infantile DEE. Last evaluated: 2022-03-19. Review status: criteria provided, single submitter. Criteria: Invitae Variant Classification Sherloc (09022015). Collection method: clinical testing. Allele origin: germline.
Comment: In summary, the available evidence is currently insufficient to determine the role of this variant in disease. Therefore, it has been classified as a Variant of Uncertain Significance. Advanced modeling of protein sequence and biophysical properties (such as structural, functional, and spatial information, amino acid conservation, physicochemical variation, residue mobility, and thermodynamic stability) performed at Invitae indicates that this missense variant is expected to disrupt SCN1A protein function. This variant has not been reported in the literature in individuals affected with SCN1A-related conditions. This variant is not present in population databases (gnomAD no frequency). This sequence change replaces leucine, which is neutral and non-polar, with serine, which is neutral and polar, at codon 392 of the SCN1A protein (p.Leu392Ser).

Juno Genomics, Hangzhou Juno Genomics, Inc
Classification: Likely pathogenic for Developmental and epileptic encephalopathy 6B; Severe myoclonic epilepsy in infancy; Generalized epilepsy with febrile seizures plus, type 2; Migraine, familial hemiplegic, 3. Review status: criteria provided, single submitter. Criteria: ACMG Guidelines, 2015. Collection method: clinical testing. Allele origin: germline. Affected: yes.
Comment: Absent from controls (or at extremely low frequency if recessive) in Genome Aggregation Database, Exome Sequencing Project, 1000 Genomes Project, or Exome Aggregation Consortium.;Multiple lines of computational evidence support a deleterious effect on the gene or gene product (conservation, evolutionary, splicing impact, etc).;Missense variant in a gene that has a low rate of benign missense variation and where missense variants are a common mechanism of disease.;Patient's phenotype or family history is highly specific for a disease with a single genetic etiology.